The following is an entry in ClinVar:

ClinVar aggregate classification (germline): Pathogenic/Likely pathogenic. Review status: criteria provided, multiple submitters, no conflicts (2 of 4 stars). 2 submissions from 2 submitters: Pathogenic (1); Likely pathogenic (1). Last evaluated 2025-04-14.

Conditions:
Granulomatous disease, chronic, autosomal recessive, cytochrome b-positive, type 2. Also called: CGD, AUTOSOMAL RECESSIVE CYTOCHROME b-POSITIVE, TYPE II; GRANULOMATOUS DISEASE, CHRONIC, DUE TO NCF2 DEFICIENCY; Chronic granulomatous disease due to deficiency of NCF-2; Chronic Granulomatous Disease, Autosomal Recessive, Cytochrome b-Positive, Type II; GRANULOMATOUS DISEASE, CHRONIC, AUTOSOMAL RECESSIVE, 2. Identifiers: Orphanet 379, MedGen C1856245, MONDO:0009310, OMIM 233710.

gnomAD v4.1: 5 of 1,614,158 alleles (0.00031%); highest among the groups gnomAD compares: Non-Finnish European, 0.00017%; no homozygotes.

Submissions (2):

Labcorp Genetics (formerly Invitae), Labcorp
Classification: Pathogenic for Granulomatous disease, chronic, autosomal recessive, cytochrome b-positive, type 2. Last evaluated: 2025-04-14. Review status: criteria provided, single submitter. Criteria: Invitae Variant Classification Sherloc (09022015). Collection method: clinical testing. Allele origin: germline.
Comment: This sequence change replaces glutamine, which is neutral and polar, with histidine, which is basic and polar, at codon 285 of the NCF2 protein (p.Gln285His). RNA analysis indicates that this missense change induces altered splicing and may result in an absent or altered protein product. This variant is present in population databases (no rsID available, gnomAD 0.002%). This missense change has been observed in individual(s) with chronic granulomatous disease (PMID: 32666379). In at least one individual the data is consistent with being in trans (on the opposite chromosome) from a pathogenic variant. It has also been observed to segregate with disease in related individuals. ClinVar contains an entry for this variant (Variation ID: 3574675). An algorithm developed to predict the effect of missense changes on protein structure and function (PolyPhen-2) suggests that this variant is likely to be disruptive. Variants that disrupt the consensus splice site are a relatively common cause of aberrant splicing (PMID: 17576681, 9536098). Studies have shown that this missense change results in skipping of exon 8, and produces a non-functional protein and/or introduces a premature termination codon (PMID: 32666379). For these reasons, this variant has been classified as Pathogenic.

Fulgent Genetics
Classification: Likely pathogenic for Granulomatous disease, chronic, autosomal recessive, cytochrome b-positive, type 2. Last evaluated: 2024-05-22. Review status: criteria provided, single submitter. Criteria: ACMG Guidelines, 2015. Collection method: clinical testing. Allele origin: germline.

Literature cited by the submitters: PubMed 32666379 (cited by Labcorp Genetics (formerly Invitae), Labcorp); PubMed 17576681 (cited by Labcorp Genetics (formerly Invitae), Labcorp); PubMed 9536098 (cited by Labcorp Genetics (formerly Invitae), Labcorp).

NM_000433.4(NCF2):c.855G>C (p.Gln285His)

Gene: NCF2 (neutrophil cytosolic factor 2; minus strand). Cytogenetic location: 1q25.3.
Variant type: single nucleotide variant.
Coding change: c.855G>C on transcript NM_000433.4 (MANE Select); coding-DNA position 855, G replaced by C.
Protein change: p.Gln285His; replaces glutamine 285 with histidine.
Molecular consequence: missense variant.
Genome position (GRCh38, 1-based): chr1:183,567,204, C>G on the plus strand (G>C on the coding strand, the complement: NCF2 is on the minus strand). VCF-style: chr1-183567204-C-G. GRCh37 (hg19) VCF-style: chr1-183536339-C-G.
Other names: c.855G>C, p.Gln285His (NM_001127651.3); c.612G>C, p.Gln204His (NM_001190789.2); c.720G>C, p.Gln240His (NM_001190794.2); c.747G>C, p.Gln249His (NM_001410895.1); short protein forms Q204H, Q240H, Q249H, Q285H.
Identifiers: ClinVar variation 3574675 (VCV003574675.4).